The following is an entry in ClinVar:

NM_001429.4(EP300):c.5549C>G (p.Pro1850Arg)

Gene: EP300 (E1A binding protein p300; plus strand). Cytogenetic location: 22q13.2.
Variant type: single nucleotide variant.
Coding change: c.5549C>G on transcript NM_001429.4 (MANE Select); coding-DNA position 5549, C replaced by G.
Protein change: p.Pro1850Arg; replaces proline 1850 with arginine.
Molecular consequence: missense variant.
Genome position (GRCh38, 1-based): chr22:41,177,260, C>G. VCF-style: chr22-41177260-C-G. GRCh37 (hg19) VCF-style: chr22-41573264-C-G.
Other names: c.5471C>G, p.Pro1824Arg (NM_001362843.2); short protein forms P1824R, P1850R.
Identifiers: ClinVar variation 1697026 (VCV001697026.3), dbSNP rs2145516343, ClinGen allele CA411709224.
Genomic context (GRCh38, chr22:41,177,260, plus strand): 5'-GGAGGATGGCCAGCATGCAGCGGACTGGTGTGGTTGGGCAGCAACAGGGCCTCCCTTCCC[C>G]CACTCCTGCCACTCCAACGACACCAACTGGCCAACAGCCAACCACCCCGCAGACGCCCCA-3'
Protein context (NP_001420.2, residues 1840-1860): VVGQQQGLPS[Pro1850Arg]TPATPTTPTG

ClinVar aggregate classification (germline): Uncertain significance (1 of 4 stars; one submission).

Submission:

GeneDx
Classification: Uncertain significance. Last evaluated: 2024-08-27. Review status: criteria provided, single submitter. Criteria: GeneDx Variant Classification Process June 2021. Collection method: clinical testing. Allele origin: germline. Affected: yes.
Comment: Not observed at significant frequency in large population cohorts (gnomAD); In silico analysis supports that this missense variant has a deleterious effect on protein structure/function; Has not been previously published as pathogenic or benign to our knowledge